The following is an entry in ClinVar:

ClinVar aggregate classification (germline): Uncertain significance (1 of 4 stars; one submission).

Conditions:
Familial thoracic aortic aneurysm and aortic dissection (TAAD). Also called: Thoracic aortic aneurysms and dissections. Identifiers: Orphanet 91387, MedGen C4707243, MONDO:0019625.

Allele frequency attached by ClinVar (database versions not stated): gnomAD exomes below 0.00001.
gnomAD v4.1: 2 of 1,613,436 alleles (0.00012%); highest among the groups gnomAD compares: South Asian, 0.0022%; no homozygotes.

Submission:

Ambry Genetics
Classification: Uncertain significance for Familial thoracic aortic aneurysm and aortic dissection. Last evaluated: 2020-11-30. Review status: criteria provided, single submitter. Criteria: Ambry Variant Classification Scheme 2023. Collection method: clinical testing. Allele origin: germline.
Comment: The p.F558L variant (also known as c.1672T>C), located in coding exon 16 of the PLOD1 gene, results from a T to C substitution at nucleotide position 1672. The phenylalanine at codon 558 is replaced by leucine, an amino acid with highly similar properties. This amino acid position is highly conserved in available vertebrate species. In addition, this alteration is predicted to be deleterious by in silico analysis. Since supporting evidence is limited at this time, the clinical significance of this alteration remains unclear.

NM_000302.4(PLOD1):c.1672T>C (p.Phe558Leu)

Gene: PLOD1 (procollagen-lysine,2-oxoglutarate 5-dioxygenase 1; plus strand). Cytogenetic location: 1p36.22.
Variant type: single nucleotide variant.
Coding change: c.1672T>C on transcript NM_000302.4 (MANE Select); coding-DNA position 1672, T replaced by C.
Protein change: p.Phe558Leu; replaces phenylalanine 558 with leucine.
Molecular consequence: missense variant.
Genome position (GRCh38, 1-based): chr1:11,967,008, T>C. VCF-style: chr1-11967008-T-C. GRCh37 (hg19) VCF-style: chr1-12027065-T-C.
Other names: c.1813T>C, p.Phe605Leu (NM_001316320.2); short protein forms F605L, F558L.
Identifiers: ClinVar variation 1777732 (VCV001777732.2), dbSNP rs552518372, ClinGen allele CA18015674.